The following is an entry in ClinVar:

NM_006846.4(SPINK5):c.2494ACAGGAGAAAGGAGCAAT[3] (p.Asn843_Asp844insThrGlyGluArgSerAsn)

Gene: SPINK5 (serine peptidase inhibitor Kazal type 5; plus strand). Cytogenetic location: 5q32.
Variant type: Microsatellite.
Coding change: c.2494ACAGGAGAAAGGAGCAAT[3] on transcript NM_006846.4 (MANE Select); three copies in a row of the 18-base unit ACAGGAGAAAGGAGCAAT starting at c.2494; the reference has two copies in a row; one copy, 18 bases duplicated.
Protein change: p.Asn843_Asp844insThrGlyGluArgSerAsn.
Molecular consequence: inframe insertion.
Genome position (GRCh38, 1-based): chr5:148,120,365-148,120,382, ACAGGAGAAAGGAGCAAT duplicated; duplicating any 18 consecutive bases within chr5:148,120,338-148,120,382 gives the same sequence; the position shown is the placement nearest the transcript's 3' end. VCF-style (leftmost placement, unchanged base first): chr5-148120337-C-CAGGAGCAATACAGGAGAA. GRCh37 (hg19) VCF-style: chr5-147499900-C-CAGGAGCAATACAGGAGAA.
Other names: c.2494ACAGGAGAAAGGAGCAAT[3], p.Asn843_Asp844insThrGlyGluArgSerAsn (NM_001127698.2, NM_001127699.2).
Identifiers: ClinVar variation 2063714 (VCV002063714.4), dbSNP rs554634510, ClinGen allele CA3496009.
Genomic context (GRCh38, chr5:148,120,337, plus strand): 5'-TCATTGTTTTCCCCCCAGGGAAAGGGAAGCAGCTGAAAAAAAAAAGAAAGAGGATGAAGA[C>CAGGAGCAATACAGGAGAA]AGGAGCAATACAGGAGAAAGGAGCAATACAGGAGAAAGGAGCAATGACAAAGAGGTAATA-3'

ClinVar aggregate classification (germline): Uncertain significance (1 of 4 stars; one submission).

Conditions:
Ichthyosis linearis circumflexa. Identifiers: MedGen C0265962, MONDO:0043106, HP:0025810.

Submission:

Labcorp Genetics (formerly Invitae), Labcorp
Classification: Uncertain significance for Ichthyosis linearis circumflexa. Last evaluated: 2025-09-05. Review status: criteria provided, single submitter. Criteria: Invitae Variant Classification Sherloc (09022015). Collection method: clinical testing. Allele origin: germline.
Comment: This variant, c.2512_2529dup, results in the insertion of 6 amino acid(s) of the SPINK5 protein (p.Thr838_Asn843dup), but otherwise preserves the integrity of the reading frame. This variant is present in population databases (rs775269341, gnomAD 0.05%). This variant has not been reported in the literature in individuals affected with SPINK5-related conditions. Experimental studies and prediction algorithms are not available or were not evaluated, and the functional significance of this variant is currently unknown. In summary, the available evidence is currently insufficient to determine the role of this variant in disease. Therefore, it has been classified as a Variant of Uncertain Significance.